The following is an entry in ClinVar:

NM_001903.5(CTNNA1):c.1678A>G (p.Met560Val)

Gene: CTNNA1 (catenin alpha 1; plus strand). Cytogenetic location: 5q31.2.
Variant type: single nucleotide variant.
Coding change: c.1678A>G on transcript NM_001903.5 (MANE Select); coding-DNA position 1678, A replaced by G.
Protein change: p.Met560Val; replaces methionine 560 with valine.
Molecular consequence: missense variant.
Genome position (GRCh38, 1-based): chr5:138,924,641, A>G. VCF-style: chr5-138924641-A-G. GRCh37 (hg19) VCF-style: chr5-138260330-A-G.
Other names: c.568A>G, p.Met190Val (NM_001323990.1, NM_001323991.1, NM_001323992.1 and 17 more transcripts); c.229A>G, p.Met77Val (NM_001324006.1, NM_001324007.1, NM_001324008.1 and 2 more transcripts); c.475A>G, p.Met159Val (NM_001324011.1); c.325A>G, p.Met109Val (NM_001324012.1, NM_001324013.1); c.1678A>G, p.Met560Val (NM_001290307.3, NM_001323982.2, NM_001323983.1 and 2 more transcripts); c.1369A>G, p.Met457Val (NM_001290309.3); c.1309A>G, p.Met437Val (NM_001290310.3); c.1585A>G, p.Met529Val (NM_001323986.2); short protein forms M109V, M190V, M529V, M159V, M560V, M77V, M437V, M457V.
Identifiers: ClinVar variation 1777830 (VCV001777830.6), dbSNP rs769235447, ClinGen allele CA361131952.

ClinVar aggregate classification (germline): Uncertain significance. Review status: criteria provided, multiple submitters, no conflicts (2 of 4 stars). 2 submissions from 2 submitters: Uncertain significance (2). Last evaluated 2024-12-19.

Conditions:
Hereditary cancer-predisposing syndrome. Also called: Neoplastic Syndromes, Hereditary; Tumor predisposition; Hereditary Cancer Syndrome; Hereditary neoplastic syndrome. Identifiers: Orphanet 140162, MedGen C0027672, MeSH D009386, MONDO:0015356.

gnomAD v4.1: 2 of 1,611,562 alleles (0.00012%); highest among the groups gnomAD compares: Non-Finnish European, 0.00017%; no homozygotes.

Submissions (2):

Ambry Genetics
Classification: Uncertain significance for Hereditary cancer-predisposing syndrome. Last evaluated: 2024-12-19. Review status: criteria provided, single submitter. Criteria: Ambry Variant Classification Scheme 2023. Collection method: clinical testing. Allele origin: germline.
Comment: The p.M560V variant (also known as c.1678A>G), located in coding exon 11 of the CTNNA1 gene, results from an A to G substitution at nucleotide position 1678. The methionine at codon 560 is replaced by valine, an amino acid with highly similar properties. This amino acid position is highly conserved in available vertebrate species. In addition, the in silico prediction for this alteration is inconclusive. The evidence for this gene-disease relationship is limited; therefore, the clinical significance of this alteration is unclear.

Labcorp Genetics (formerly Invitae), Labcorp
Classification: Uncertain significance. Last evaluated: 2023-08-10. Review status: criteria provided, single submitter. Criteria: Invitae Variant Classification Sherloc (09022015). Collection method: clinical testing. Allele origin: germline.
Comment: In summary, the available evidence is currently insufficient to determine the role of this variant in disease. Therefore, it has been classified as a Variant of Uncertain Significance. This sequence change replaces methionine, which is neutral and non-polar, with valine, which is neutral and non-polar, at codon 560 of the CTNNA1 protein (p.Met560Val). This variant is not present in population databases (gnomAD no frequency). This variant has not been reported in the literature in individuals affected with CTNNA1-related conditions. ClinVar contains an entry for this variant (Variation ID: 1777830). Advanced modeling of protein sequence and biophysical properties (such as structural, functional, and spatial information, amino acid conservation, physicochemical variation, residue mobility, and thermodynamic stability) has been performed at Invitae for this missense variant, however the output from this modeling did not meet the statistical confidence thresholds required to predict the impact of this variant on CTNNA1 protein function.